The following is an entry in ClinVar:

NM_001370595.2(COA8):c.491G>A (p.Arg164His)

Gene: COA8 (cytochrome c oxidase assembly factor 8; plus strand). Cytogenetic location: 14q32.33.
Variant type: single nucleotide variant.
Coding change: c.491G>A on transcript NM_001370595.2 (MANE Select); coding-DNA position 491, G replaced by A.
Protein change: p.Arg164His; replaces arginine 164 with histidine.
Molecular consequence: missense variant. On other transcripts: 3 prime UTR variant (1), non-coding transcript variant (2).
Genome position (GRCh38, 1-based): chr14:103,590,195, G>A. VCF-style: chr14-103590195-G-A. GRCh37 (hg19) VCF-style: chr14-104056532-G-A.
Other names: c.*45G>A (NM_001302653.2); c.530G>A, p.Arg177His (NM_032374.4); short protein forms R177H, R164H.
Identifiers: ClinVar variation 1926497 (VCV001926497.5), dbSNP rs756550363, ClinGen allele CA7365644.

ClinVar aggregate classification (germline): Uncertain significance (1 of 4 stars; one submission).

Allele frequency attached by ClinVar (database versions not stated): ExAC 0.00003; gnomAD exomes 0.00003; TOPMed 0.00003; gnomAD 0.00005.
gnomAD v4.1: 55 of 1,613,898 alleles (0.0034%); highest among the groups gnomAD compares: South Asian, 0.0077%; no homozygotes.

Submission:

Labcorp Genetics (formerly Invitae), Labcorp
Classification: Uncertain significance. Last evaluated: 2022-05-18. Review status: criteria provided, single submitter. Criteria: Invitae Variant Classification Sherloc (09022015). Collection method: clinical testing. Allele origin: germline.
Comment: This sequence change replaces arginine, which is basic and polar, with histidine, which is basic and polar, at codon 177 of the APOPT1 protein (p.Arg177His). This variant is present in population databases (rs756550363, gnomAD 0.01%). This variant has not been reported in the literature in individuals affected with APOPT1-related conditions. Algorithms developed to predict the effect of missense changes on protein structure and function are either unavailable or do not agree on the potential impact of this missense change (SIFT: "Deleterious"; PolyPhen-2: "Benign"; Align-GVGD: "Class C0"). In summary, the available evidence is currently insufficient to determine the role of this variant in disease. Therefore, it has been classified as a Variant of Uncertain Significance.